The following is an entry in ClinVar:

ClinVar aggregate classification (germline): Pathogenic/Likely pathogenic. Review status: criteria provided, multiple submitters, no conflicts (2 of 4 stars). 2 submissions from 2 submitters: Pathogenic (1); Likely pathogenic (1). Last evaluated 2024-06-16.

Conditions:
Inborn genetic diseases. Identifiers: MedGen C0950123, MeSH D030342.

Submissions (2):

GeneDx
Classification: Pathogenic. Last evaluated: 2024-06-16. Review status: criteria provided, single submitter. Criteria: GeneDx Variant Classification Process June 2021. Collection method: clinical testing. Allele origin: germline. Affected: yes.
Comment: Reported in an individual with Koolen-de Vries syndrome in the published literature (PMID: 36529818); Canonical splice site variant predicted to result in a null allele in a gene for which loss of function is a known mechanism of disease; Not observed at significant frequency in large population cohorts (gnomAD); This variant is associated with the following publications: (PMID: 36529818)

Ambry Genetics
Classification: Likely pathogenic for Inborn genetic diseases. Last evaluated: 2018-01-30. Review status: criteria provided, single submitter. Criteria: Ambry exome assertion method (8-5-2015). Collection method: clinical testing. Allele origin: germline. Affected: yes. Observed: 1 variant allele.

NM_015443.4(KANSL1):c.2837+1G>A

Gene: KANSL1 (KAT8 regulatory NSL complex subunit 1). Cytogenetic location: 17q21.31.
Variant type: single nucleotide variant.
Coding change: c.2837+1G>A on transcript NM_015443.4 (MANE Select); the canonical splice donor site of the intron after coding-DNA position 2837, G replaced by A.
Molecular consequence: splice donor variant.
Genome position (GRCh38, 1-based): chr17:46,033,079, C>T on the plus strand (G>A on the coding strand, the complement: KANSL1 is on the minus strand). VCF-style: chr17-46033079-C-T. GRCh37 (hg19) VCF-style: chr17-44110445-C-T.
Other names: c.1379+1G>A (NM_001405885.1); c.1382+1G>A (NM_001405884.1); c.1568+1G>A (NM_001405883.1); c.1571+1G>A (NM_001405882.1); c.2732+1G>A (NM_001405881.1, NM_001405861.1); c.2735+1G>A (NM_001405859.1, NM_001405860.1); c.2645+1G>A (NM_001405879.1, NM_001405880.1); c.2648+1G>A (NM_001405875.1, NM_001405878.1, NM_001405877.1 and 1 more transcripts); and 2 more.
Identifiers: ClinVar variation 985362 (VCV000985362.4), dbSNP rs2077054270, ClinGen allele CA399987435.